The following is an entry in ClinVar:

ClinVar aggregate classification (germline): Uncertain significance (1 of 4 stars; one submission).

Conditions:
Hereditary cancer-predisposing syndrome. Also called: Neoplastic Syndromes, Hereditary; Tumor predisposition; Hereditary neoplastic syndrome; Hereditary Cancer Syndrome. Identifiers: Orphanet 140162, MedGen C0027672, MeSH D009386, MONDO:0015356.
Cardiovascular phenotype. Identifiers: MedGen CN230736.

Submission:

Ambry Genetics
Classification: Uncertain significance for Cardiovascular phenotype; Hereditary cancer-predisposing syndrome. Last evaluated: 2023-03-23. Review status: criteria provided, single submitter. Criteria: Ambry Variant Classification Scheme 2023. Collection method: clinical testing. Allele origin: germline.
Comment: The p.E2537G variant (also known as c.7610A>G), located in coding exon 51 of the NF1 gene, results from an A to G substitution at nucleotide position 7610. The glutamic acid at codon 2537 is replaced by glycine, an amino acid with similar properties. This amino acid position is conserved. In addition, this alteration is predicted to be tolerated by in silico analysis. Since supporting evidence is limited at this time, the clinical significance of this alteration remains unclear.

NM_001042492.3(NF1):c.7673A>G (p.Glu2558Gly)

Gene: NF1 (neurofibromin 1; plus strand). Cytogenetic location: 17q11.2.
Variant type: single nucleotide variant.
Coding change: c.7673A>G on transcript NM_001042492.3 (MANE Select); coding-DNA position 7673, A replaced by G.
Protein change: p.Glu2558Gly; replaces glutamic acid 2558 with glycine.
Molecular consequence: missense variant.
Genome position (GRCh38, 1-based): chr17:31,356,517, A>G. VCF-style: chr17-31356517-A-G. GRCh37 (hg19) VCF-style: chr17-29683535-A-G.
Other names: c.7610A>G, p.Glu2537Gly (NM_000267.4); short protein forms E2537G, E2558G.
Identifiers: ClinVar variation 3237949 (VCV003237949.1), dbSNP rs2151581172.